The following is an entry in ClinVar:

NM_001378615.1(CC2D2A):c.2003+19C>T

Genes: CC2D2A (coiled-coil and C2 domain containing 2A; plus strand), FBXL5 (F-box and leucine rich repeat protein 5; minus strand). Cytogenetic location: 4p15.32.
Variant type: single nucleotide variant.
Coding change: c.2003+19C>T on transcript NM_001378615.1 (MANE Select); 19 bases into the intron after coding-DNA position 2003, C replaced by T.
Molecular consequence: intron variant.
Genome position (GRCh38, 1-based): chr4:15,538,156, C>T. VCF-style: chr4-15538156-C-T. GRCh37 (hg19) VCF-style: chr4-15539779-C-T.
Other names: p.?; c.2003+19C>T (NM_001080522.2); c.1856+19C>T (NM_001378617.1).
Identifiers: ClinVar variation 93532 (VCV000093532.34), dbSNP rs17476642, ClinGen allele CA147034.

ClinVar aggregate classification (germline): Benign. Review status: criteria provided, multiple submitters, no conflicts (2 of 4 stars). 12 submissions from 12 submitters: Benign (8). 4 of the submissions do not count toward it. Last evaluated 2026-06-28.

Conditions:
Joubert syndrome. Also called: Familial aplasia of the vermis; JOUBERT-BOLTSHAUSER SYNDROME. Identifiers: Orphanet 475, MedGen C5979921, MONDO:0018772.
Meckel-Gruber syndrome. Also called: DYSENCEPHALIA SPLANCHNOCYSTICA; GRUBER SYNDROME; Dysencephalia splachnocystica. Identifiers: Orphanet 564, MedGen C0265215, MONDO:0018921.

Allele frequency attached by ClinVar (database versions not stated): 1000 Genomes Project 30x 0.07698; 1000 Genomes Project 0.07788; ESP Exome Variant Server 0.09536; gnomAD 0.09652 and 0.09677; TOPMed 0.09656; gnomAD exomes 0.11213; ExAC 0.15372.
gnomAD v4.1: 175,776 of 1,515,336 alleles (12%); highest among the groups gnomAD compares: Non-Finnish European, 13%; 10,778 homozygotes.

Submissions (13):

Women's Health and Genetics/Laboratory Corporation of America, LabCorp
Classification: Benign. Last evaluated: 2026-06-28. Review status: criteria provided, single submitter. Criteria: LabCorp Variant Classification Summary - May 2015. Collection method: clinical testing. Allele origin: germline.

Labcorp Genetics (formerly Invitae), Labcorp
Classification: Benign for Joubert syndrome; Meckel-Gruber syndrome. Last evaluated: 2026-02-04. Review status: criteria provided, single submitter. Criteria: Invitae Variant Classification Sherloc (09022015). Collection method: clinical testing. Allele origin: germline.

Blueprint Genetics
Classification: Benign. Last evaluated: 2024-11-26. Review status: criteria provided, single submitter. Criteria: ACMG Guidelines, 2015. Collection method: clinical testing. Allele origin: germline.

Mayo Clinic Laboratories, Mayo Clinic
Classification: Benign. Last evaluated: 2022-02-28. Review status: criteria provided, single submitter. Criteria: ACMG Guidelines, 2015. Collection method: clinical testing. Allele origin: germline. Observed: 110 variant alleles.

Eurofins Ntd Llc (ga)
Classification: Benign. Last evaluated: 2016-01-12. Review status: criteria provided, single submitter. Criteria: EGL Classification Definitions 2015. Collection method: clinical testing. Allele origin: germline. Observed: 5 variant alleles, 4 heterozygotes, 1 homozygote.

GeneDx
Classification: Benign. Last evaluated: 2015-03-03. Review status: criteria provided, single submitter. Criteria: GeneDx Variant Classification Process June 2021. Collection method: clinical testing. Allele origin: germline. Affected: yes.

Breakthrough Genomics
Classification: Benign. Review status: criteria provided, single submitter. Criteria: ACMG Guidelines, 2015. Collection method: not provided. Allele origin: germline. Inheritance: Autosomal recessive inheritance. Affected: yes.

PreventionGenetics, part of Exact Sciences
Classification: Benign. Review status: criteria provided, single submitter. Criteria: ACMG Guidelines, 2015. Collection method: clinical testing. Allele origin: germline.

Clinical Genetics DNA and cytogenetics Diagnostics Lab, Erasmus MC, Erasmus Medical Center
Classification: Benign. Review status: no assertion criteria provided. Collection method: clinical testing. Allele origin: germline. Affected: yes. Study: VKGL Data-share Consensus. Not counted in ClinVar's aggregate classification.

Diagnostic Laboratory, Department of Genetics, University Medical Center Groningen
Classification: Benign. Review status: no assertion criteria provided. Collection method: clinical testing. Allele origin: germline. Affected: yes. Study: VKGL Data-share Consensus. Not counted in ClinVar's aggregate classification.

Dr. Peter K. Rogan Lab, Western University
No classification provided (evidence only). Condition: Familial cancer of breast. Review status: no classification provided. Collection method: in vitro. Allele origin: not applicable. Functional consequence: retained intron. Not counted in ClinVar's aggregate classification.

Genetic Services Laboratory, University of Chicago
Classification: Likely benign for AllHighlyPenetrant. Review status: no assertion criteria provided. Collection method: clinical testing. Allele origin: germline. Inheritance: Autosomal recessive inheritance. Observed: 85 variant alleles. Not counted in ClinVar's aggregate classification.
Comment: Likely benign based on allele frequency in 1000 Genomes Project or ESP global frequency and its presence in a patient with a rare or unrelated disease phenotype. NOT Sanger confirmed.

Joint Genome Diagnostic Labs from Nijmegen and Maastricht, Radboudumc and MUMC+
Classification: Benign. Review status: no assertion criteria provided. Collection method: clinical testing. Allele origin: germline. Affected: yes. Study: VKGL Data-share Consensus. Not counted in ClinVar's aggregate classification.